The following is an entry in ClinVar:

ClinVar aggregate classification (germline): Uncertain significance (1 of 4 stars; one submission).

Conditions:
Tumor predisposition syndrome 3 (TPDS3). Also called: Melanoma, cutaneous malignant, susceptibility to, 10; Glioma susceptibility 9; LONG TELOMERE SYNDROME, POT1-RELATED; POT1 Tumor Predisposition. Identifiers: Orphanet 618, MedGen C4014476, MONDO:0014368, OMIM 615848.

Submission:

Labcorp Genetics (formerly Invitae), Labcorp
Classification: Uncertain significance for Tumor predisposition syndrome 3. Last evaluated: 2020-08-11. Review status: criteria provided, single submitter. Criteria: Invitae Variant Classification Sherloc (09022015). Collection method: clinical testing. Allele origin: germline.
Comment: This sequence change replaces serine with asparagine at codon 281 of the POT1 protein (p.Ser281Asn). The serine residue is weakly conserved and there is a small physicochemical difference between serine and asparagine. This variant is not present in population databases (ExAC no frequency). This variant has not been reported in the literature in individuals with POT1-related conditions. Algorithms developed to predict the effect of missense changes on protein structure and function output the following: SIFT: "Tolerated"; PolyPhen-2: "Benign"; Align-GVGD: "Class C0". The asparagine amino acid residue is found in multiple mammalian species, suggesting that this missense change does not adversely affect protein function. These predictions have not been confirmed by published functional studies and their clinical significance is uncertain. In summary, the available evidence is currently insufficient to determine the role of this variant in disease. Therefore, it has been classified as a Variant of Uncertain Significance.

NM_015450.3(POT1):c.842G>A (p.Ser281Asn)

Gene: POT1 (protection of telomeres 1; minus strand). Cytogenetic location: 7q31.33.
Variant type: single nucleotide variant.
Coding change: c.842G>A on transcript NM_015450.3 (MANE Select); coding-DNA position 842, G replaced by A.
Protein change: p.Ser281Asn; replaces serine 281 with asparagine.
Molecular consequence: missense variant. On other transcripts: non-coding transcript variant (3).
Genome position (GRCh38, 1-based): chr7:124,852,999, C>T on the plus strand (G>A on the coding strand, the complement: POT1 is on the minus strand). VCF-style: chr7-124852999-C-T. GRCh37 (hg19) VCF-style: chr7-124493053-C-T.
Other names: c.449G>A, p.Ser150Asn (NM_001042594.2); short protein forms S281N, S150N.
Identifiers: ClinVar variation 1042620 (VCV001042620.9), dbSNP rs1795350489, ClinGen allele CA369055263.